The following is an entry in ClinVar:

ClinVar aggregate classification (germline): Uncertain significance. Review status: criteria provided, multiple submitters, no conflicts (2 of 4 stars). 3 submissions from 3 submitters: Uncertain significance (3). Last evaluated 2022-08-03.

Conditions:
Inborn genetic diseases. Identifiers: MedGen C0950123, MeSH D030342.
Muscular dystrophy-dystroglycanopathy (congenital with impaired intellectual development), type B, 1. Also called: Muscular dystrophy-dystroglycanopathy (congenital with intellectual disability), type B1; MUSCULAR DYSTROPHY, CONGENITAL, POMT1-RELATED. Identifiers: MedGen C5436962, MONDO:0013159, OMIM 613155.
Autosomal recessive limb-girdle muscular dystrophy type 2K. Also called: MUSCULAR DYSTROPHY-DYSTROGLYCANOPATHY (LIMB-GIRDLE), TYPE C, 1; MUSCULAR DYSTROPHY, LIMB-GIRDLE, TYPE 2K. Identifiers: Orphanet 86812, MedGen C1836373, MONDO:0012248, OMIM 609308.
Walker-Warburg congenital muscular dystrophy. Also called: Muscular dystrophy-dystroglycanopathy, type A; Walker-Warburg syndrome. Identifiers: Orphanet 899, MedGen C0265221, MONDO:0000171.

Allele frequency attached by ClinVar (database versions not stated): TOPMed 0.00003; ExAC 0.00001; gnomAD 0.00002; gnomAD exomes 0.00002; ESP Exome Variant Server 0.00008.
gnomAD v4.1: 31 of 1,614,100 alleles (0.0019%); highest among the groups gnomAD compares: Non-Finnish European, 0.0026%; no homozygotes.

Submissions (3):

Ambry Genetics
Classification: Uncertain significance for Inborn genetic diseases. Last evaluated: 2022-08-03. Review status: criteria provided, single submitter. Criteria: Ambry Variant Classification Scheme 2023. Collection method: clinical testing. Allele origin: germline.

Labcorp Genetics (formerly Invitae), Labcorp
Classification: Uncertain significance for Muscular dystrophy-dystroglycanopathy (congenital with impaired intellectual development), type B, 1; Walker-Warburg congenital muscular dystrophy; Autosomal recessive limb-girdle muscular dystrophy type 2K. Last evaluated: 2022-05-19. Review status: criteria provided, single submitter. Criteria: Invitae Variant Classification Sherloc (09022015). Collection method: clinical testing. Allele origin: germline.
Comment: This sequence change replaces valine, which is neutral and non-polar, with aspartic acid, which is acidic and polar, at codon 238 of the POMT1 protein (p.Val238Asp). This variant is present in population databases (rs370038491, gnomAD 0.007%). This variant has not been reported in the literature in individuals affected with POMT1-related conditions. ClinVar contains an entry for this variant (Variation ID: 586371). Algorithms developed to predict the effect of missense changes on protein structure and function are either unavailable or do not agree on the potential impact of this missense change (SIFT: "Deleterious"; PolyPhen-2: "Benign"; Align-GVGD: "Class C0"). In summary, the available evidence is currently insufficient to determine the role of this variant in disease. Therefore, it has been classified as a Variant of Uncertain Significance.

Athena Diagnostics
Classification: Uncertain significance. Last evaluated: 2018-04-13. Review status: criteria provided, single submitter. Criteria: Athena Diagnostics Criteria. Collection method: clinical testing. Allele origin: germline.

NM_001077365.2(POMT1):c.699+14T>A

Gene: POMT1 (protein O-mannosyltransferase 1; plus strand). Cytogenetic location: 9q34.13.
Variant type: single nucleotide variant.
Coding change: c.699+14T>A on transcript NM_001077365.2 (MANE Select); 14 bases into the intron after coding-DNA position 699, T replaced by A.
Molecular consequence: intron variant. On other transcripts: missense variant (7), non-coding transcript variant (1).
Genome position (GRCh38, 1-based): chr9:131,510,010, T>A. VCF-style: chr9-131510010-T-A. GRCh37 (hg19) VCF-style: chr9-134385397-T-A.
Other names: c.713T>A, p.Val238Asp (NM_001353193.2, NM_007171.4); c.551T>A, p.Val184Asp (NM_001353197.2, NM_001353198.2, NM_001374689.1); c.362T>A, p.Val121Asp (NM_001353199.2); c.257T>A, p.Val86Asp (NM_001374695.1); c.699+14T>A (NM_001136113.2, NM_001374690.1); c.537+14T>A (NM_001353194.2, NM_001077366.2, NM_001374693.1); c.348+14T>A (NM_001374691.1, NM_001353195.2, NM_001374692.1 and 1 more transcripts); c.609+14T>A (NM_001353196.2); and 1 more; short protein forms V238D, V121D, V184D, V86D.
Identifiers: ClinVar variation 586371 (VCV000586371.6), dbSNP rs370038491, ClinGen allele CA5293375.